The following is an entry in ClinVar:

ClinVar aggregate classification (germline): Benign (0 of 4 stars; one submission).

Conditions:
ACTN3-related disorder. Also called: ACTN3-related condition.

Allele frequency attached by ClinVar (database versions not stated): ExAC 0.00207; ESP Exome Variant Server 0.00629; 1000 Genomes Project 0.00938; 1000 Genomes Project 30x 0.01046.
gnomAD v4.1: 1,996 of 1,612,246 alleles (0.12%); highest among the groups gnomAD compares: African/African-American, 2.2%; 29 homozygotes.

Submission:

PreventionGenetics, part of Exact Sciences
Classification: Benign for ACTN3-related condition. Last evaluated: 2020-01-06. Review status: no assertion criteria provided. Collection method: clinical testing. Allele origin: germline.
Comment: This variant is classified as benign based on ACMG/AMP sequence variant interpretation guidelines (Richards et al. 2015 PMID: 25741868, with internal and published modifications).

NM_001104.4(ACTN3):c.2567A>T (p.Glu856Val)

Gene: ACTN3 (actinin alpha 3; plus strand). Cytogenetic location: 11q13.2.
Variant type: single nucleotide variant.
Coding change: c.2567A>T on transcript NM_001104.4 (MANE Select); coding-DNA position 2567, A replaced by T.
Protein change: p.Glu856Val; replaces glutamic acid 856 with valine.
Molecular consequence: missense variant.
Genome position (GRCh38, 1-based): chr11:66,563,054, A>T. VCF-style: chr11-66563054-A-T. GRCh37 (hg19) VCF-style: chr11-66330525-A-T.
Other names: c.2696A>T, p.Glu899Val (NM_001258371.3); short protein forms E856V, E899V.
Identifiers: ClinVar variation 3033080 (VCV003033080.2), dbSNP rs115296201, ClinGen allele CA6125129.
Genomic context (GRCh38, chr11:66,563,054, plus strand): 5'-GGGCACGGGACCTGTGGGTCCTCAACGCCTCTTCTCCCCAGAACTACATCACCCCCGAGG[A>T]GCTGCGGCGCGAGCTCCCTGCCAAGCAGGCCGAGTACTGCATCCGCCGTATGGTGCCCTA-3'
Protein context (NP_001095.2, residues 846-866): AGDKNYITPE[Glu856Val]LRRELPAKQA